The following is an entry in ClinVar:

ClinVar aggregate classification (germline): Uncertain significance (1 of 4 stars; one submission).

Allele frequency attached by ClinVar (database versions not stated): TOPMed below 0.00001; gnomAD 0.00001; gnomAD exomes 0.00001; 1000 Genomes Project 30x 0.00016; 1000 Genomes Project 0.00020.
gnomAD v4.1: 18 of 1,613,734 alleles (0.0011%); highest among the groups gnomAD compares: Admixed American, 0.0017%; no homozygotes.

Submission:

Labcorp Genetics (formerly Invitae), Labcorp
Classification: Uncertain significance. Last evaluated: 2024-04-11. Review status: criteria provided, single submitter. Criteria: Invitae Variant Classification Sherloc (09022015). Collection method: clinical testing. Allele origin: germline.
Comment: This sequence change replaces arginine, which is basic and polar, with glutamine, which is neutral and polar, at codon 125 of the TBX6 protein (p.Arg125Gln). The frequency data for this variant in the population databases is considered unreliable, as metrics indicate poor data quality at this position in the gnomAD database. This variant has not been reported in the literature in individuals affected with TBX6-related conditions. ClinVar contains an entry for this variant (Variation ID: 2192895). Advanced modeling of protein sequence and biophysical properties (such as structural, functional, and spatial information, amino acid conservation, physicochemical variation, residue mobility, and thermodynamic stability) performed at Invitae indicates that this missense variant is not expected to disrupt TBX6 protein function with a negative predictive value of 80%. In summary, the available evidence is currently insufficient to determine the role of this variant in disease. Therefore, it has been classified as a Variant of Uncertain Significance.

NM_004608.4(TBX6):c.374G>A (p.Arg125Gln)

Gene: TBX6 (T-box transcription factor 6; minus strand). Cytogenetic location: 16p11.2.
Variant type: single nucleotide variant.
Coding change: c.374G>A on transcript NM_004608.4 (MANE Select); coding-DNA position 374, G replaced by A.
Protein change: p.Arg125Gln; replaces arginine 125 with glutamine.
Molecular consequence: missense variant.
Genome position (GRCh38, 1-based): chr16:30,089,190, C>T on the plus strand (G>A on the coding strand, the complement: TBX6 is on the minus strand). VCF-style: chr16-30089190-C-T. GRCh37 (hg19) VCF-style: chr16-30100511-C-T.
Other names: short protein forms R125Q.
Identifiers: ClinVar variation 2192895 (VCV002192895.4), dbSNP rs575024247, ClinGen allele CA8001936.